The following is an entry in ClinVar:

ClinVar aggregate classification (germline): Uncertain significance (1 of 4 stars; one submission).

Allele frequency attached by ClinVar (database versions not stated): TOPMed 0.00002.

Submission:

Labcorp Genetics (formerly Invitae), Labcorp
Classification: Uncertain significance. Last evaluated: 2023-04-27. Review status: criteria provided, single submitter. Criteria: Invitae Variant Classification Sherloc (09022015). Collection method: clinical testing. Allele origin: germline.
Comment: In summary, the available evidence is currently insufficient to determine the role of this variant in disease. Therefore, it has been classified as a Variant of Uncertain Significance. This variant has not been reported in the literature in individuals affected with RNF113A-related conditions. This variant is not present in population databases (gnomAD no frequency). This sequence change affects codon 211 of the RNF113A mRNA. It is a 'silent' change, meaning that it does not change the encoded amino acid sequence of the RNF113A protein.

NM_006978.3(RNF113A):c.633C>T (p.Cys211=)

Gene: RNF113A (ring finger protein 113A; minus strand). Cytogenetic location: Xq24.
Variant type: single nucleotide variant.
Coding change: c.633C>T on transcript NM_006978.3 (MANE Select); coding-DNA position 633, C replaced by T.
Protein change: p.Cys211=; no amino-acid change (cysteine 211 retained).
Molecular consequence: synonymous variant.
Genome position (GRCh38, 1-based): chrX:119,870,981, G>A on the plus strand (C>T on the coding strand, the complement: RNF113A is on the minus strand). VCF-style: chrX-119870981-G-A. GRCh37 (hg19) VCF-style: chrX-119004944-G-A.
Identifiers: ClinVar variation 2802701 (VCV002802701.3), dbSNP rs1360796099, ClinGen allele CA518447010.